The following is an entry in ClinVar:

ClinVar aggregate classification (germline): Benign/Likely benign. Review status: criteria provided, multiple submitters, no conflicts (2 of 4 stars). 4 submissions from 4 submitters: Benign (2); Likely benign (2). Last evaluated 2026-09-01.

Conditions:
Early-infantile DEE. Also called: Early infantile epileptic encephalopathy with suppression bursts; Early infantile epileptic encephalopathy; Ohtahara syndrome. Identifiers: Orphanet 1934, MedGen C0393706, MONDO:0800491.

Allele frequency attached by ClinVar (database versions not stated): TOPMed 0.00007; ESP Exome Variant Server 0.00015; 1000 Genomes Project 30x 0.00047; 1000 Genomes Project 0.00060; gnomAD 0.00073 and 0.00078; gnomAD exomes 0.00114; ExAC 0.00115.
gnomAD v4.1: 776 of 1,613,926 alleles (0.048%); highest among the groups gnomAD compares: Non-Finnish European, 0.0083%; 5 homozygotes.

Submissions (4):

CeGaT Center for Human Genetics Tuebingen
Classification: Likely benign. Last evaluated: 2026-09-01. Review status: criteria provided, single submitter. Criteria: CeGaT Center For Human Genetics Tuebingen Variant Classification Criteria Version 2. Collection method: clinical testing. Allele origin: germline. Affected: yes. Observed: 4 variant alleles.
Comment: SCN1A: BP4, BP7

Labcorp Genetics (formerly Invitae), Labcorp
Classification: Benign for Early-infantile DEE. Last evaluated: 2025-12-16. Review status: criteria provided, single submitter. Criteria: Invitae Variant Classification Sherloc (09022015). Collection method: clinical testing. Allele origin: germline.

Blueprint Genetics
Classification: Likely benign. Last evaluated: 2024-09-12. Review status: criteria provided, single submitter. Criteria: ACMG Guidelines, 2015. Collection method: clinical testing. Allele origin: germline.

GeneDx
Classification: Benign. Last evaluated: 2020-05-01. Review status: criteria provided, single submitter. Criteria: GeneDx Variant Classification Process June 2021. Collection method: clinical testing. Allele origin: germline. Affected: yes.

NM_001165963.4(SCN1A):c.5571G>A (p.Val1857=)

Genes: SCN1A (sodium voltage-gated channel alpha subunit 1; minus strand), LOC102724058 (uncharacterized LOC102724058; plus strand). Cytogenetic location: 2q24.3.
Variant type: single nucleotide variant.
Coding change: c.5571G>A on transcript NM_001165963.4 (MANE Select); coding-DNA position 5571, G replaced by A.
Protein change: p.Val1857=; no amino-acid change (valine 1857 retained).
Molecular consequence: synonymous variant. On other transcripts: non-coding transcript variant (1).
Genome position (GRCh38, 1-based): chr2:165,991,704, C>T on the plus strand (G>A on the coding strand, the complement: SCN1A is on the minus strand). VCF-style: chr2-165991704-C-T. GRCh37 (hg19) VCF-style: chr2-166848214-C-T.
Other names: c.5487G>A, p.Val1829= (NM_001165964.3, NM_001353957.2, NM_001353958.2); c.5571G>A, p.Val1857= (NM_001202435.3, NM_001353948.2); c.5538G>A, p.Val1846= (NM_001353949.2, NM_001353950.2, NM_001353951.2 and 2 more transcripts); c.5535G>A, p.Val1845= (NM_001353954.2, NM_001353955.2); c.5484G>A, p.Val1828= (NM_001353960.2); c.3129G>A, p.Val1043= (NM_001353961.2).
Identifiers: ClinVar variation 415305 (VCV000415305.27), dbSNP rs142019382, ClinGen allele CA1942664.